The following is an entry in ClinVar:

NM_000038.6(APC):c.3127C>T (p.Pro1043Ser)

Gene: APC (APC regulator of Wnt signaling pathway; plus strand). Cytogenetic location: 5q22.2.
Variant type: single nucleotide variant.
Coding change: c.3127C>T on transcript NM_000038.6 (MANE Select); coding-DNA position 3127, C replaced by T.
Protein change: p.Pro1043Ser; replaces proline 1043 with serine.
Molecular consequence: missense variant.
Genome position (GRCh38, 1-based): chr5:112,838,721, C>T. VCF-style: chr5-112838721-C-T. GRCh37 (hg19) VCF-style: chr5-112174418-C-T.
Other names: c.3127C>T, p.Pro1043Ser (NM_001127510.3, NM_001354895.2); c.3073C>T, p.Pro1025Ser (NM_001127511.3); c.3181C>T, p.Pro1061Ser (NM_001354896.2); c.3157C>T, p.Pro1053Ser (NM_001354897.2); c.3052C>T, p.Pro1018Ser (NM_001354898.2); c.3043C>T, p.Pro1015Ser (NM_001354899.2); c.3004C>T, p.Pro1002Ser (NM_001354900.2); c.2950C>T, p.Pro984Ser (NM_001354901.2); and 5 more; short protein forms P1043S, P1025S, P1018S, P1053S, P1061S, P760S, P883S, P917S.
Identifiers: ClinVar variation 572593 (VCV000572593.15), dbSNP rs1561582049, ClinGen allele CA16028187.

ClinVar aggregate classification (germline): Uncertain significance. Review status: criteria provided, multiple submitters, no conflicts (2 of 4 stars). 5 submissions from 5 submitters: Uncertain significance (5). Last evaluated 2025-09-04.

Conditions:
Familial adenomatous polyposis 1 (FAP1). Also called: POLYPOSIS, ADENOMATOUS INTESTINAL; FAMILIAL ADENOMATOUS POLYPOSIS 1, ATTENUATED. Identifiers: MedGen C2713442, MONDO:0021056, OMIM 175100. Disease mechanism: loss of function.
Classic or attenuated familial adenomatous polyposis. Identifiers: MedGen CN372698, MONDO:0021057.
Hereditary cancer-predisposing syndrome. Also called: Neoplastic Syndromes, Hereditary; Hereditary Cancer Syndrome; Tumor predisposition; Hereditary neoplastic syndrome. Identifiers: Orphanet 140162, MedGen C0027672, MeSH D009386, MONDO:0015356.

Allele frequency attached by ClinVar (database versions not stated): gnomAD exomes below 0.00001.

Submissions (5):

Labcorp Genetics (formerly Invitae), Labcorp
Classification: Uncertain significance for Familial adenomatous polyposis 1. Last evaluated: 2025-09-04. Review status: criteria provided, single submitter. Criteria: Invitae Variant Classification Sherloc (09022015). Collection method: clinical testing. Allele origin: germline.
Comment: This sequence change replaces proline, which is neutral and non-polar, with serine, which is neutral and polar, at codon 1043 of the APC protein (p.Pro1043Ser). This variant is not present in population databases (gnomAD no frequency). This variant has not been reported in the literature in individuals affected with APC-related conditions. ClinVar contains an entry for this variant (Variation ID: 572593). Invitae Evidence Modeling of protein sequence and biophysical properties (such as structural, functional, and spatial information, amino acid conservation, physicochemical variation, residue mobility, and thermodynamic stability) indicates that this missense variant is not expected to disrupt APC protein function with a negative predictive value of 95%. In summary, the available evidence is currently insufficient to determine the role of this variant in disease. Therefore, it has been classified as a Variant of Uncertain Significance.

All of Us Research Program, National Institutes of Health
Classification: Uncertain significance for Classic or attenuated familial adenomatous polyposis. Last evaluated: 2024-03-05. Review status: criteria provided, single submitter. Criteria: ACMG Guidelines, 2015. Collection method: clinical testing. Allele origin: germline. Inheritance: Autosomal dominant inheritance. Observed: 1 variant allele, 1 heterozygote.
Comment: This study involves interpretation of variants in research participants for the purpose of population health screening. Participant phenotype was not available at the time of variant classification. Additional details can be found in publication PMID: 35346344, PMCID: PMC8962531

Baylor Genetics
Classification: Uncertain significance for Familial adenomatous polyposis 1. Last evaluated: 2023-10-15. Review status: criteria provided, single submitter. Criteria: ACMG Guidelines, 2015. Collection method: clinical testing. Allele origin: unknown.

Ambry Genetics
Classification: Uncertain significance for Hereditary cancer-predisposing syndrome. Last evaluated: 2023-07-24. Review status: criteria provided, single submitter. Criteria: Ambry Variant Classification Scheme 2023. Collection method: clinical testing. Allele origin: germline.
Comment: The p.P1043S variant (also known as c.3127C>T), located in coding exon 15 of the APC gene, results from a C to T substitution at nucleotide position 3127. The proline at codon 1043 is replaced by serine, an amino acid with similar properties. This amino acid position is conserved. In addition, in silico predictors for this gene do not accurately predict pathogenicity. Since supporting evidence is limited at this time, the clinical significance of this alteration remains unclear.

GeneDx
Classification: Uncertain significance. Last evaluated: 2022-08-23. Review status: criteria provided, single submitter. Criteria: GeneDx Variant Classification Process June 2021. Collection method: clinical testing. Allele origin: germline. Affected: yes.
Comment: Not observed at significant frequency in large population cohorts (gnomAD); In silico analysis supports that this missense variant has a deleterious effect on protein structure/function; Has not been previously published as pathogenic or benign to our knowledge; This variant is associated with the following publications: (PMID: 18199528)